The following is an entry in ClinVar:

ClinVar aggregate classification (germline): Uncertain significance. Review status: criteria provided, multiple submitters, no conflicts (2 of 4 stars). 3 submissions from 3 submitters: Uncertain significance (3). Last evaluated 2025-08-12.

Conditions:
Cranioectodermal dysplasia 1 (CED1). Also called: LEVIN SYNDROME I. Identifiers: Orphanet 1515, MedGen C0432235, MONDO:0021093, OMIM 218330.
Inborn genetic diseases. Identifiers: MedGen C0950123, MeSH D030342.

Allele frequency attached by ClinVar (database versions not stated): gnomAD exomes 0.00001; ExAC 0.00002; gnomAD 0.00007; TOPMed 0.00010; ESP Exome Variant Server 0.00015.
gnomAD v4.1: 23 of 1,586,894 alleles (0.0014%); highest among the groups gnomAD compares: African/African-American, 0.028%; no homozygotes.

Submissions (3):

Ambry Genetics
Classification: Uncertain significance for Inborn genetic diseases. Last evaluated: 2025-08-12. Review status: criteria provided, single submitter. Criteria: Ambry Variant Classification Scheme 2023. Collection method: clinical testing. Allele origin: germline.

Labcorp Genetics (formerly Invitae), Labcorp
Classification: Uncertain significance for Cranioectodermal dysplasia 1. Last evaluated: 2025-06-12. Review status: criteria provided, single submitter. Criteria: Invitae Variant Classification Sherloc (09022015). Collection method: clinical testing. Allele origin: germline.
Comment: This sequence change replaces asparagine, which is neutral and polar, with serine, which is neutral and polar, at codon 204 of the IFT122 protein (p.Asn204Ser). This variant is present in population databases (rs151309730, gnomAD 0.04%). This variant has not been reported in the literature in individuals affected with IFT122-related conditions. ClinVar contains an entry for this variant (Variation ID: 2074218). Invitae Evidence Modeling of protein sequence and biophysical properties (such as structural, functional, and spatial information, amino acid conservation, physicochemical variation, residue mobility, and thermodynamic stability) indicates that this missense variant is not expected to disrupt IFT122 protein function with a negative predictive value of 80%. In summary, the available evidence is currently insufficient to determine the role of this variant in disease. Therefore, it has been classified as a Variant of Uncertain Significance.

Fulgent Genetics
Classification: Uncertain significance for Cranioectodermal dysplasia 1. Last evaluated: 2024-06-04. Review status: criteria provided, single submitter. Criteria: ACMG Guidelines, 2015. Collection method: clinical testing. Allele origin: germline.

NM_052989.3(IFT122):c.458A>G (p.Asn153Ser)

Gene: IFT122 (intraflagellar transport 122; plus strand). Cytogenetic location: 3q21.3.
Variant type: single nucleotide variant.
Coding change: c.458A>G on transcript NM_052989.3 (MANE Select); coding-DNA position 458, A replaced by G.
Protein change: p.Asn153Ser; replaces asparagine 153 with serine.
Molecular consequence: missense variant.
Genome position (GRCh38, 1-based): chr3:129,464,676, A>G. VCF-style: chr3-129464676-A-G. GRCh37 (hg19) VCF-style: chr3-129183519-A-G.
Other names: c.611A>G (NM_052985.2); c.611A>G, p.Asn204Ser (NM_001280541.2, NM_052985.4); c.8A>G, p.Asn3Ser (NM_001280545.2, NM_001280546.2); c.458A>G, p.Asn153Ser (NM_001410808.1, NM_001410809.1, NM_001410810.1 and 3 more transcripts); c.302A>G, p.Asn101Ser (NM_001410815.1, NM_001410817.1, NM_052990.3); short protein forms N153S, N204S, N101S, N3S.
Identifiers: ClinVar variation 2074218 (VCV002074218.4), dbSNP rs151309730, ClinGen allele CA2605883.